The following is an entry in ClinVar:

NM_000062.3(SERPING1):c.1324C>T (p.Gln442Ter)

Gene: SERPING1 (serpin family G member 1; plus strand). Cytogenetic location: 11q12.1.
Variant type: single nucleotide variant.
Coding change: c.1324C>T on transcript NM_000062.3 (MANE Select); coding-DNA position 1324, C replaced by T.
Protein change: p.Gln442Ter; replaces glutamine 442 with a stop codon.
Molecular consequence: nonsense.
Genome position (GRCh38, 1-based): chr11:57,614,402, C>T. VCF-style: chr11-57614402-C-T. GRCh37 (hg19) VCF-style: chr11-57381875-C-T.
Other names: c.1324C>T, p.Gln442Ter (NM_001032295.2); short protein forms Q442*.
Identifiers: ClinVar variation 3256131 (VCV003256131.2).
Genomic context (GRCh38, chr11:57,614,402, plus strand): 5'-TCTTATGACCTTAACCTGTGTGGGCTGACAGAGGACCCAGATCTTCAGGTTTCTGCGATG[C>T]AGCACCAGACAGTGCTGGAACTGACAGAGACTGGGGTGGAGGCGGCTGCAGCCTCCGCCA-3'

ClinVar aggregate classification (germline): Pathogenic (1 of 4 stars; one submission).

Conditions:
Hereditary angioedema type 1 (HAE1). Identifiers: Orphanet 100050, Orphanet 100051, Orphanet 91378, MedGen C2717906, MONDO:0015053, OMIM 106100.

Submission:

DNA-diagnostics Laboratory, Research Centre For Medical Genetics
Classification: Pathogenic for Hereditary angioedema type 1. Last evaluated: 2024-07-27. Review status: criteria provided, single submitter. Criteria: ACMG Guidelines, 2015. Collection method: research. Allele origin: germline. Inheritance: Autosomal dominant inheritance. Affected: yes. Observed: 2 variant alleles, 2 heterozygotes. Clinical features observed: Angioedema (HP:0100665), C1 esterase inhibitor deficiency.
Comment: According to our observation and published information (Gösswein et al. 2008), the c.1324C>T variant in SERPING1 meets ACMG/ClinGen SVI guidance criteria to be classified as pathogenic: PVS1_Str, PP4_Str, PS4_Mod, PM2_Sup, PP1

Literature cited by the submitters: PubMed 18758157.